The following is an entry in ClinVar:

ClinVar aggregate classification (germline): Uncertain significance (1 of 4 stars; one submission).

Conditions:
Charcot-Marie-Tooth disease axonal type 2Z. Also called: CHARCOT-MARIE-TOOTH DISEASE, AXONAL, AUTOSOMAL DOMINANT, TYPE 2Z; CHARCOT-MARIE-TOOTH NEUROPATHY, TYPE 2Z. Identifiers: Orphanet 466768, MedGen C5569025, MONDO:0014736, OMIM 616688.

Allele frequency attached by ClinVar (database versions not stated): gnomAD exomes below 0.00001; gnomAD 0.00001; TOPMed 0.00001.
gnomAD v4.1: 9 of 1,613,920 alleles (0.00056%); highest among the groups gnomAD compares: Non-Finnish European, 0.00017%; no homozygotes.

Submission:

Labcorp Genetics (formerly Invitae), Labcorp
Classification: Uncertain significance for Charcot-Marie-Tooth disease axonal type 2Z. Last evaluated: 2024-10-17. Review status: criteria provided, single submitter. Criteria: Invitae Variant Classification Sherloc (09022015). Collection method: clinical testing. Allele origin: germline.
Comment: This sequence change replaces alanine, which is neutral and non-polar, with glycine, which is neutral and non-polar, at codon 433 of the MORC2 protein (p.Ala433Gly). This variant is present in population databases (no rsID available, gnomAD 0.01%). This variant has not been reported in the literature in individuals affected with MORC2-related conditions. ClinVar contains an entry for this variant (Variation ID: 1010238). Invitae Evidence Modeling of protein sequence and biophysical properties (such as structural, functional, and spatial information, amino acid conservation, physicochemical variation, residue mobility, and thermodynamic stability) indicates that this missense variant is expected to disrupt MORC2 protein function with a positive predictive value of 95%. In summary, the available evidence is currently insufficient to determine the role of this variant in disease. Therefore, it has been classified as a Variant of Uncertain Significance.

NM_001303256.3(MORC2):c.1298C>G (p.Ala433Gly)

Gene: MORC2 (MORC family CW-type zinc finger 2; minus strand). Cytogenetic location: 22q12.2.
Variant type: single nucleotide variant.
Coding change: c.1298C>G on transcript NM_001303256.3 (MANE Select); coding-DNA position 1298, C replaced by G.
Protein change: p.Ala433Gly; replaces alanine 433 with glycine.
Molecular consequence: missense variant.
Genome position (GRCh38, 1-based): chr22:30,937,886, G>C on the plus strand (C>G on the coding strand, the complement: MORC2 is on the minus strand). VCF-style: chr22-30937886-G-C. GRCh37 (hg19) VCF-style: chr22-31333873-G-C.
Other names: c.1298C>G (NM_001303256.2); c.1298C>G, p.Ala433Gly (NM_001303257.2); c.1112C>G, p.Ala371Gly (NM_014941.3); short protein forms A371G, A433G.
Identifiers: ClinVar variation 1010238 (VCV001010238.9), dbSNP rs1370510062, ClinGen allele CA411238807.
Genomic context (GRCh38, chr22:30,937,886, plus strand): 5'-TCCTTCCAATACTGCGCCAGGTGCTCCCCCATTGCTCGGAGCAGGTGCCGGTACTCCTTG[G>C]CATCAGCAAAGTCCTGTTTGTTGTGTGTAGGCTCCAGGACCAGGTAGGGCACATCAACAA-3'
Protein context (NP_001290185.1, residues 423-443): PTHNKQDFAD[Ala433Gly]KEYRHLLRAM